The following is an entry in ClinVar:

NM_001042492.3(NF1):c.1859_1861del (p.Ser620_Ser621delinsThr)

Gene: NF1 (neurofibromin 1; plus strand). Cytogenetic location: 17q11.2.
Variant type: Deletion.
Coding change: c.1859_1861del on transcript NM_001042492.3 (MANE Select); coding-DNA positions 1859 to 1861, 3 bases deleted (GTT; older notation c.1859_1861delGTT).
Protein change: p.Ser620_Ser621delinsThr.
Molecular consequence: inframe indel.
Genome position (GRCh38, 1-based): chr17:31,225,108-31,225,110, GTT deleted. VCF-style (leftmost placement, unchanged base first): chr17-31225107-AGTT-A. GRCh37 (hg19) VCF-style: chr17-29552125-AGTT-A.
Other names: c.1859_1861delGTT, p.Ser620_Ser621delinsThr (NM_000267.4).
Identifiers: ClinVar variation 967141 (VCV000967141.6), dbSNP rs2066989737, ClinGen allele CA1139665414.
Genomic context (GRCh38, chr17:31,225,107, plus strand): 5'-CTTGGTTGTCAGTGCTTCAGTAAAGCTTATTTATTTATTTTTTTCTAGCAGGCAGATAGA[AGTT>A]CCTGTCACTTTCTCCTTTTTTACGGGGTAGGATGTGATATTCCTTCTAGTGGAAATACCA-3'

ClinVar aggregate classification (germline): Uncertain significance (1 of 4 stars; one submission).

Conditions:
Neurofibromatosis, type 1 (NF1). Also called: Neurofibromatosis, type I; Peripheral type neurofibromatosis; VON RECKLINGHAUSEN DISEASE; NEUROFIBROMATOSIS, TYPE I, SOMATIC. Identifiers: Orphanet 636, MedGen C0027831, MONDO:0018975, OMIM 162200. Disease mechanism: loss of function.

Submission:

Labcorp Genetics (formerly Invitae), Labcorp
Classification: Uncertain significance for Neurofibromatosis, type 1. Last evaluated: 2019-10-21. Review status: criteria provided, single submitter. Criteria: Invitae Variant Classification Sherloc (09022015). Collection method: clinical testing. Allele origin: germline.
Comment: This variant, c.1859_1861del, results in the deletion of 2 amino acid(s) of the NF1 protein (p.Ser620_Ser621delinsThr), but otherwise preserves the integrity of the reading frame. This variant is not present in population databases (ExAC no frequency). This variant has not been reported in the literature in individuals with NF1-related conditions. Experimental studies and prediction algorithms are not available or were not evaluated, and the functional significance of this variant is currently unknown. In summary, the available evidence is currently insufficient to determine the role of this variant in disease. Therefore, it has been classified as a Variant of Uncertain Significance.